The following is an entry in ClinVar:

ClinVar aggregate classification (germline): Uncertain significance (1 of 4 stars; one submission).

Allele frequency attached by ClinVar (database versions not stated): TOPMed 0.00001.
gnomAD v4.1: 3 of 1,607,868 alleles (0.00019%); highest among the groups gnomAD compares: Admixed American, 0.0051%; no homozygotes.

Submission:

Labcorp Genetics (formerly Invitae), Labcorp
Classification: Uncertain significance. Last evaluated: 2025-11-24. Review status: criteria provided, single submitter. Criteria: Invitae Variant Classification Sherloc (09022015). Collection method: clinical testing. Allele origin: germline.
Comment: This sequence change affects a donor splice site in intron 15 of the GUF1 gene. It is expected to disrupt RNA splicing. Variants that disrupt the donor or acceptor splice site typically lead to a loss of protein function (PMID: 16199547), however the current clinical and genetic evidence is not sufficient to establish whether loss-of-function variants in GUF1 cause disease. This variant is present in population databases (rs569172138, gnomAD 0.009%). This variant has not been reported in the literature in individuals affected with GUF1-related conditions. ClinVar contains an entry for this variant (Variation ID: 1447857). Algorithms developed to predict the effect of sequence changes on RNA splicing suggest that this variant may disrupt the consensus splice site. In summary, the available evidence is currently insufficient to determine the role of this variant in disease. Therefore, it has been classified as a Variant of Uncertain Significance.

Literature cited by the submitters: PubMed 16199547.

NM_021927.3(GUF1):c.1835+1G>T

Gene: GUF1 (GTP binding elongation factor GUF1; plus strand). Cytogenetic location: 4p12.
Variant type: single nucleotide variant.
Coding change: c.1835+1G>T on transcript NM_021927.3 (MANE Select); the canonical splice donor site of the intron after coding-DNA position 1835, G replaced by T.
Molecular consequence: splice donor variant. On other transcripts: intron variant (1).
Genome position (GRCh38, 1-based): chr4:44,695,735, G>T. VCF-style: chr4-44695735-G-T. GRCh37 (hg19) VCF-style: chr4-44697752-G-T.
Other names: c.1715+1222G>T (NM_001345868.2); c.863+1G>T (NM_001345867.2, NM_001345869.2).
Identifiers: ClinVar variation 1447857 (VCV001447857.8), dbSNP rs569172138, ClinGen allele CA2905764.